The following is an entry in ClinVar:

NM_022095.4(ZNF335):c.2366C>T (p.Ala789Val)

Gene: ZNF335 (zinc finger protein 335; minus strand). Cytogenetic location: 20q13.12.
Variant type: single nucleotide variant.
Coding change: c.2366C>T on transcript NM_022095.4 (MANE Select); coding-DNA position 2366, C replaced by T.
Protein change: p.Ala789Val; replaces alanine 789 with valine.
Molecular consequence: missense variant.
Genome position (GRCh38, 1-based): chr20:45,957,662, G>A on the plus strand (C>T on the coding strand, the complement: ZNF335 is on the minus strand). VCF-style: chr20-45957662-G-A. GRCh37 (hg19) VCF-style: chr20-44586301-G-A.
Other names: short protein forms A789V.
Identifiers: ClinVar variation 1350350 (VCV001350350.7), dbSNP rs147367570, ClinGen allele CA9885381.
Genomic context (GRCh38, chr20:45,957,662, plus strand): 5'-CCCAGTTCCCGCTGAGCACTCATGTTCAGCAGAAGATCCAAGGCTGTCTGCGTGGCCATC[G>A]CTGTCGACTCCTCAGCTCCTGGGTGGGGTGGGACCTAAGCCTGACAAAGTGCTAGAAAAC-3'
Protein context (NP_071378.1, residues 779-799): IYQQGAEEST[Ala789Val]MATQTALDLL

ClinVar aggregate classification (germline): Uncertain significance (1 of 4 stars; one submission).

Allele frequency attached by ClinVar (database versions not stated): gnomAD exomes 0.00001 and 0.00007; ExAC 0.00005; ESP Exome Variant Server 0.00015; gnomAD 0.00021 and 0.00022; TOPMed 0.00031; 1000 Genomes Project 0.00100; 1000 Genomes Project 30x 0.00109.
gnomAD v4.1: 56 of 1,614,140 alleles (0.0035%); highest among the groups gnomAD compares: Admixed American, 0.043%; no homozygotes.

Submission:

Labcorp Genetics (formerly Invitae), Labcorp
Classification: Uncertain significance. Last evaluated: 2024-03-24. Review status: criteria provided, single submitter. Criteria: Invitae Variant Classification Sherloc (09022015). Collection method: clinical testing. Allele origin: germline.
Comment: This sequence change replaces alanine, which is neutral and non-polar, with valine, which is neutral and non-polar, at codon 789 of the ZNF335 protein (p.Ala789Val). This variant is present in population databases (rs147367570, gnomAD 0.04%). This variant has not been reported in the literature in individuals affected with ZNF335-related conditions. ClinVar contains an entry for this variant (Variation ID: 1350350). Advanced modeling of protein sequence and biophysical properties (such as structural, functional, and spatial information, amino acid conservation, physicochemical variation, residue mobility, and thermodynamic stability) performed at Invitae indicates that this missense variant is not expected to disrupt ZNF335 protein function with a negative predictive value of 80%. In summary, the available evidence is currently insufficient to determine the role of this variant in disease. Therefore, it has been classified as a Variant of Uncertain Significance.